The following is an entry in ClinVar:

NM_152564.5(VPS13B):c.7965T>A (p.Gly2655=)

Gene: VPS13B (vacuolar protein sorting 13 homolog B; plus strand). Cytogenetic location: 8q22.2.
Variant type: single nucleotide variant.
Coding change: c.7965T>A on transcript NM_152564.5 (MANE Select); coding-DNA position 7965, T replaced by A.
Protein change: p.Gly2655=; no amino-acid change (glycine 2655 retained).
Molecular consequence: synonymous variant.
Genome position (GRCh38, 1-based): chr8:99,809,398, T>A. VCF-style: chr8-99809398-T-A. GRCh37 (hg19) VCF-style: chr8-100821626-T-A.
Other names: c.8040T>A, p.Gly2680= (NM_017890.5); c.7965T>A (NM_152564.4).
Identifiers: ClinVar variation 1646946 (VCV001646946.10), dbSNP rs758430817, ClinGen allele CA462338817.

ClinVar aggregate classification (germline): Likely benign. Review status: criteria provided, multiple submitters, no conflicts (2 of 4 stars). 3 submissions from 3 submitters: Likely benign (3). Last evaluated 2025-02-13.

Conditions:
VPS13B-related disorder. Also called: VPS13B-related condition.
Cohen syndrome (COH1). Also called: PEPPER SYNDROME; Cutis verticis gyrata, retinitis pigmentosa, and sensorineural deafness. Identifiers: Orphanet 193, MedGen C0265223, MONDO:0008999, OMIM 216550.

gnomAD v4.1: 2 of 1,613,962 alleles (0.00012%); highest among the groups gnomAD compares: Non-Finnish European, 0.00017%; no homozygotes.

Submissions (3):

PreventionGenetics, part of Exact Sciences
Classification: Likely benign for VPS13B-related condition. Last evaluated: 2025-02-13. Review status: criteria provided, single submitter. Criteria: ACMG Guidelines, 2015. Collection method: clinical testing. Allele origin: germline.
Comment: This variant is classified as likely benign based on ACMG/AMP sequence variant interpretation guidelines (Richards et al. 2015 PMID: 25741868, with internal and published modifications).

Labcorp Genetics (formerly Invitae), Labcorp
Classification: Likely benign for Cohen syndrome. Last evaluated: 2023-12-21. Review status: criteria provided, single submitter. Criteria: Invitae Variant Classification Sherloc (09022015). Collection method: clinical testing. Allele origin: germline.

Blueprint Genetics
Classification: Likely benign. Last evaluated: 2020-03-31. Review status: criteria provided, single submitter. Criteria: ACMG Guidelines, 2015. Collection method: clinical testing. Allele origin: germline.